The following is an entry in ClinVar:

NM_015046.7(SETX):c.2717C>T (p.Ser906Leu)

Gene: SETX (senataxin; minus strand). Cytogenetic location: 9q34.13.
Variant type: single nucleotide variant.
Coding change: c.2717C>T on transcript NM_015046.7 (MANE Select); coding-DNA position 2717, C replaced by T.
Protein change: p.Ser906Leu; replaces serine 906 with leucine.
Molecular consequence: missense variant.
Genome position (GRCh38, 1-based): chr9:132,328,881, G>A on the plus strand (C>T on the coding strand, the complement: SETX is on the minus strand). VCF-style: chr9-132328881-G-A. GRCh37 (hg19) VCF-style: chr9-135204268-G-A.
Other names: c.2717C>T, p.Ser906Leu (NM_001351527.2, NM_001351528.2); short protein forms S906L.
Identifiers: ClinVar variation 468495 (VCV000468495.16), dbSNP rs148375192, ClinGen allele CA5297546.

ClinVar aggregate classification (germline): Conflicting classifications of pathogenicity. Review status: criteria provided, conflicting classifications (1 of 4 stars). 5 submissions from 4 submitters: Uncertain significance (3); Likely benign (1). 1 of the submissions does not count toward it. Last evaluated 2025-09-19.

Conditions:
SETX-related disorder. Also called: SETX-related condition; SETX-related disorders. Identifiers: MedGen CN239403.
Inborn genetic diseases. Identifiers: MedGen C0950123, MeSH D030342.
Amyotrophic lateral sclerosis type 4 (ALS4). Also called: NEURONOPATHY, DISTAL HEREDITARY MOTOR, WITH PYRAMIDAL FEATURES; AMYOTROPHIC LATERAL SCLEROSIS 4, JUVENILE. Identifiers: Orphanet 357043, MedGen C1865409, MONDO:0011223, OMIM 602433.
Spinocerebellar ataxia, autosomal recessive, with axonal neuropathy 2 (SCAN2). Also called: Ataxia-ocular apraxia-2; ATAXIA-OCULOMOTOR APRAXIA 2; Ataxia with Oculomotor Apraxia; Ataxia with Oculomotor Apraxia Type 2. Identifiers: Orphanet 64753, MedGen C1853761, MONDO:0018996, OMIM 606002.

Allele frequency attached by ClinVar (database versions not stated): gnomAD exomes 0.00001 and 0.00006; ExAC 0.00002; TOPMed 0.00002; gnomAD 0.00005 and 0.00006; ESP Exome Variant Server 0.00008.

Submissions (5):

Labcorp Genetics (formerly Invitae), Labcorp
Classification: Likely benign for Amyotrophic lateral sclerosis type 4; Spinocerebellar ataxia, autosomal recessive, with axonal neuropathy 2. Last evaluated: 2025-09-19. Review status: criteria provided, single submitter. Criteria: Invitae Variant Classification Sherloc (09022015). Collection method: clinical testing. Allele origin: germline.

Ambry Genetics
Classification: Uncertain significance for Inborn genetic diseases. Last evaluated: 2020-12-18. Review status: criteria provided, single submitter. Criteria: Ambry Variant Classification Scheme 2023. Collection method: clinical testing. Allele origin: germline.
Comment: The p.S906L variant (also known as c.2717C>T), located in coding exon 8 of the SETX gene, results from a C to T substitution at nucleotide position 2717. The serine at codon 906 is replaced by leucine, an amino acid with dissimilar properties. This amino acid position is poorly conserved in available vertebrate species. In addition, this alteration is predicted to be tolerated by in silico analysis. Since supporting evidence is limited at this time, the clinical significance of this alteration remains unclear.

Illumina Laboratory Services, Illumina
Classification: Uncertain significance for Amyotrophic lateral sclerosis type 4. Last evaluated: 2018-01-13. Review status: criteria provided, single submitter. Criteria: ICSL Variant Classification Criteria 13 December 2019. Collection method: clinical testing. Allele origin: germline.

Illumina Laboratory Services, Illumina
Classification: Uncertain significance for Spinocerebellar ataxia, autosomal recessive, with axonal neuropathy 2. Last evaluated: 2018-01-13. Review status: criteria provided, single submitter. Criteria: ICSL Variant Classification Criteria 13 December 2019. Collection method: clinical testing. Allele origin: germline.

PreventionGenetics, part of Exact Sciences
Classification: Uncertain significance for SETX-related condition. Last evaluated: 2024-08-06. Review status: no assertion criteria provided. Collection method: clinical testing. Allele origin: germline. Not counted in ClinVar's aggregate classification.
Comment: The SETX c.2717C>T variant is predicted to result in the amino acid substitution p.Ser906Leu. To our knowledge, this variant has not been reported in the literature. This variant is reported in 0.0039% of alleles in individuals of European (Non-Finnish) descent in gnomAD. At this time, the clinical significance of this variant is uncertain due to the absence of conclusive functional and genetic evidence.